The following is an entry in ClinVar:

NM_052963.3(TOP1MT):c.799C>A (p.Pro267Thr)

Gene: TOP1MT (DNA topoisomerase I mitochondrial; minus strand). Cytogenetic location: 8q24.3.
Variant type: single nucleotide variant.
Coding change: c.799C>A on transcript NM_052963.3 (MANE Select); coding-DNA position 799, C replaced by A.
Protein change: p.Pro267Thr; replaces proline 267 with threonine.
Molecular consequence: missense variant.
Genome position (GRCh38, 1-based): chr8:143,324,502, G>T on the plus strand (C>A on the coding strand, the complement: TOP1MT is on the minus strand). VCF-style: chr8-143324502-G-T. GRCh37 (hg19) VCF-style: chr8-144406672-G-T.
Other names: c.799C>A (NM_052963.1); c.505C>A, p.Pro169Thr (NM_001258446.1, NM_001258447.1); short protein forms P267T, P169T.
Identifiers: ClinVar variation 2991479 (VCV002991479.4), dbSNP rs924949151, ClinGen allele CA187532389.

ClinVar aggregate classification (germline): Uncertain significance. Review status: criteria provided, multiple submitters, no conflicts (2 of 4 stars). 2 submissions from 2 submitters: Uncertain significance (2). Last evaluated 2024-09-30.

gnomAD v4.1: 4 of 1,613,952 alleles (0.00025%); highest among the groups gnomAD compares: Admixed American, 0.0017%; no homozygotes.

Submissions (2):

Ambry Genetics
Classification: Uncertain significance. Last evaluated: 2024-09-30. Review status: criteria provided, single submitter. Criteria: Ambry Variant Classification Scheme 2023. Collection method: clinical testing. Allele origin: germline.

Labcorp Genetics (formerly Invitae), Labcorp
Classification: Uncertain significance. Last evaluated: 2023-04-26. Review status: criteria provided, single submitter. Criteria: Invitae Variant Classification Sherloc (09022015). Collection method: clinical testing. Allele origin: germline.
Comment: In summary, the available evidence is currently insufficient to determine the role of this variant in disease. Therefore, it has been classified as a Variant of Uncertain Significance. Advanced modeling of protein sequence and biophysical properties (such as structural, functional, and spatial information, amino acid conservation, physicochemical variation, residue mobility, and thermodynamic stability) has been performed at Invitae for this missense variant, however the output from this modeling did not meet the statistical confidence thresholds required to predict the impact of this variant on TOP1MT protein function. This variant has not been reported in the literature in individuals affected with TOP1MT-related conditions. This variant is present in population databases (no rsID available, gnomAD 0.003%). This sequence change replaces proline, which is neutral and non-polar, with threonine, which is neutral and polar, at codon 267 of the TOP1MT protein (p.Pro267Thr).